The following is an entry in ClinVar:

ClinVar aggregate classification (germline): Uncertain significance (1 of 4 stars; one submission).

Conditions:
Hepatic methionine adenosyltransferase deficiency. Also called: Methionine adenosyltransferase deficiency; Deficiency of methionine adenosyltransferase; MAT I/III DEFICIENCY; Isolated Persistent Hypermethioninemia. Identifiers: Orphanet 168598, MedGen C0268621, MeSH C564683, MONDO:0009607, OMIM 250850.

Submission:

Labcorp Genetics (formerly Invitae), Labcorp
Classification: Uncertain significance for Hepatic methionine adenosyltransferase deficiency. Last evaluated: 2023-04-20. Review status: criteria provided, single submitter. Criteria: Invitae Variant Classification Sherloc (09022015). Collection method: clinical testing. Allele origin: germline.
Comment: This sequence change replaces cysteine, which is neutral and slightly polar, with arginine, which is basic and polar, at codon 120 of the MAT1A protein (p.Cys120Arg). This variant is not present in population databases (gnomAD no frequency). This variant has not been reported in the literature in individuals affected with MAT1A-related conditions. ClinVar contains an entry for this variant (Variation ID: 1044718). Advanced modeling of protein sequence and biophysical properties (such as structural, functional, and spatial information, amino acid conservation, physicochemical variation, residue mobility, and thermodynamic stability) performed at Invitae indicates that this missense variant is not expected to disrupt MAT1A protein function. In summary, the available evidence is currently insufficient to determine the role of this variant in disease. Therefore, it has been classified as a Variant of Uncertain Significance.

NM_000429.3(MAT1A):c.358T>C (p.Cys120Arg)

Gene: MAT1A (methionine adenosyltransferase 1A; minus strand). Cytogenetic location: 10q22.3.
Variant type: single nucleotide variant.
Coding change: c.358T>C on transcript NM_000429.3 (MANE Select); coding-DNA position 358, T replaced by C.
Protein change: p.Cys120Arg; replaces cysteine 120 with arginine.
Molecular consequence: missense variant.
Genome position (GRCh38, 1-based): chr10:80,280,727, A>G on the plus strand (T>C on the coding strand, the complement: MAT1A is on the minus strand). VCF-style: chr10-80280727-A-G. GRCh37 (hg19) VCF-style: chr10-82040483-A-G.
Other names: short protein forms C120R.
Identifiers: ClinVar variation 1044718 (VCV001044718.9), dbSNP rs1841555617, ClinGen allele CA377363018.
Genomic context (GRCh38, chr10:80,280,727, plus strand): 5'-AGTGCCGAGCTACCTGATCTCCTGCCCCCACATCCTCCTCATTTCTGTCCAGATGGACGC[A>G]CTGGGCAATATCTGGGGATTGCTGCTCCAAAGCCACCAGCACGTTGCAAGTCTTGAAGTC-3'
Protein context (NP_000420.1, residues 110-130): LEQQSPDIAQ[Cys120Arg]VHLDRNEEDV